The following is an entry in ClinVar:

NM_001042492.3(NF1):c.5188A>G (p.Thr1730Ala)

Gene: NF1 (neurofibromin 1; plus strand). Cytogenetic location: 17q11.2.
Variant type: single nucleotide variant.
Coding change: c.5188A>G on transcript NM_001042492.3 (MANE Select); coding-DNA position 5188, A replaced by G.
Protein change: p.Thr1730Ala; replaces threonine 1730 with alanine.
Molecular consequence: missense variant.
Genome position (GRCh38, 1-based): chr17:31,326,172, A>G. VCF-style: chr17-31326172-A-G. GRCh37 (hg19) VCF-style: chr17-29653190-A-G.
Other names: c.5125A>G, p.Thr1709Ala (NM_000267.4); short protein forms T1709A, T1730A.
Identifiers: ClinVar variation 2479462 (VCV002479462.5), dbSNP rs2151538847, ClinGen allele CA399008003.

ClinVar aggregate classification (germline): Uncertain significance. Review status: criteria provided, multiple submitters, no conflicts (2 of 4 stars). 2 submissions from 2 submitters: Uncertain significance (2). Last evaluated 2024-01-19.

Conditions:
Neurofibromatosis, type 1 (NF1). Also called: Peripheral type neurofibromatosis; Neurofibromatosis, type I; VON RECKLINGHAUSEN DISEASE; NEUROFIBROMATOSIS, TYPE I, SOMATIC. Identifiers: Orphanet 636, MedGen C0027831, MONDO:0018975, OMIM 162200. Disease mechanism: loss of function.
Cardiovascular phenotype. Identifiers: MedGen CN230736.
Hereditary cancer-predisposing syndrome. Also called: Hereditary neoplastic syndrome; Tumor predisposition; Neoplastic Syndromes, Hereditary; Hereditary Cancer Syndrome. Identifiers: Orphanet 140162, MedGen C0027672, MeSH D009386, MONDO:0015356.

Submissions (2):

Labcorp Genetics (formerly Invitae), Labcorp
Classification: Uncertain significance for Neurofibromatosis, type 1. Last evaluated: 2024-01-19. Review status: criteria provided, single submitter. Criteria: Invitae Variant Classification Sherloc (09022015). Collection method: clinical testing. Allele origin: germline.
Comment: This sequence change replaces threonine, which is neutral and polar, with alanine, which is neutral and non-polar, at codon 1709 of the NF1 protein (p.Thr1709Ala). This variant is not present in population databases (gnomAD no frequency). This variant has not been reported in the literature in individuals affected with NF1-related conditions. ClinVar contains an entry for this variant (Variation ID: 2479462). Advanced modeling of protein sequence and biophysical properties (such as structural, functional, and spatial information, amino acid conservation, physicochemical variation, residue mobility, and thermodynamic stability) performed at Invitae indicates that this missense variant is expected to disrupt NF1 protein function with a positive predictive value of 95%. In summary, the available evidence is currently insufficient to determine the role of this variant in disease. Therefore, it has been classified as a Variant of Uncertain Significance.

Ambry Genetics
Classification: Uncertain significance for Cardiovascular phenotype; Hereditary cancer-predisposing syndrome. Last evaluated: 2022-12-01. Review status: criteria provided, single submitter. Criteria: Ambry Variant Classification Scheme 2023. Collection method: clinical testing. Allele origin: germline.
Comment: The p.T1709A variant (also known as c.5125A>G), located in coding exon 36 of the NF1 gene, results from an A to G substitution at nucleotide position 5125. The threonine at codon 1709 is replaced by alanine, an amino acid with similar properties. This amino acid position is highly conserved in available vertebrate species. In addition, this alteration is predicted to be deleterious by in silico analysis. Since supporting evidence is limited at this time, the clinical significance of this alteration remains unclear.